The following is an entry in ClinVar:

NM_000053.4(ATP7B):c.1912G>T (p.Ala638Ser)

Gene: ATP7B (ATPase copper transporting beta; minus strand). Cytogenetic location: 13q14.3.
Variant type: single nucleotide variant.
Coding change: c.1912G>T on transcript NM_000053.4 (MANE Select); coding-DNA position 1912, G replaced by T.
Protein change: p.Ala638Ser; replaces alanine 638 with serine.
Molecular consequence: missense variant. On other transcripts: intron variant (2).
Genome position (GRCh38, 1-based): chr13:51,961,871, C>A on the plus strand (G>T on the coding strand, the complement: ATP7B is on the minus strand). VCF-style: chr13-51961871-C-A. GRCh37 (hg19) VCF-style: chr13-52536007-C-A.
Other names: c.1912G>T, p.Ala638Ser (NM_001406523.1, NM_001406525.1, NM_001406526.1 and 16 more transcripts); c.1879G>T, p.Ala627Ser (NM_001406524.1, NM_001406514.1); c.1816G>T, p.Ala606Ser (NM_001406530.1, NM_001406536.1, NM_001406517.1 and 1 more transcripts); c.1579G>T, p.Ala527Ser (NM_001243182.2); c.1483G>T, p.Ala495Ser (NM_001406539.1); c.1869+3001G>T (NM_001005918.3, NM_001330579.2); short protein forms A495S, A527S, A638S, A606S, A627S.
Identifiers: ClinVar variation 1937531 (VCV001937531.2), dbSNP rs886038218, ClinGen allele CA388027610.

ClinVar aggregate classification (germline): Uncertain significance (1 of 4 stars; one submission).

Conditions:
Wilson disease (WND). Also called: Wilson's disease. Identifiers: Orphanet 905, MedGen C0019202, MONDO:0010200, OMIM 277900. Disease mechanism: loss of function.

Allele frequency attached by ClinVar (database versions not stated): gnomAD 0.00001.

Submission:

Labcorp Genetics (formerly Invitae), Labcorp
Classification: Uncertain significance for Wilson disease. Last evaluated: 2022-03-31. Review status: criteria provided, single submitter. Criteria: Invitae Variant Classification Sherloc (09022015). Collection method: clinical testing. Allele origin: germline.
Comment: This sequence change replaces alanine, which is neutral and non-polar, with serine, which is neutral and polar, at codon 638 of the ATP7B protein (p.Ala638Ser). This variant is not present in population databases (gnomAD no frequency). This variant has not been reported in the literature in individuals affected with ATP7B-related conditions. Advanced modeling of protein sequence and biophysical properties (such as structural, functional, and spatial information, amino acid conservation, physicochemical variation, residue mobility, and thermodynamic stability) performed at Invitae indicates that this missense variant is not expected to disrupt ATP7B protein function. In summary, the available evidence is currently insufficient to determine the role of this variant in disease. Therefore, it has been classified as a Variant of Uncertain Significance.